The following is an entry in ClinVar:

NM_000179.3(MSH6):c.4046C>T (p.Ala1349Val)

Gene: MSH6 (mutS homolog 6; plus strand). Cytogenetic location: 2p16.3.
Variant type: single nucleotide variant.
Coding change: c.4046C>T on transcript NM_000179.3 (MANE Select); coding-DNA position 4046, C replaced by T.
Protein change: p.Ala1349Val; replaces alanine 1349 with valine.
Molecular consequence: missense variant. On other transcripts: 3 prime UTR variant (5), non-coding transcript variant (5).
Genome position (GRCh38, 1-based): chr2:47,806,823, C>T. VCF-style: chr2-47806823-C-T. GRCh37 (hg19) VCF-style: chr2-48033962-C-T.
Other names: c.3656C>T, p.Ala1219Val (NM_001281492.2); c.3140C>T, p.Ala1047Val (NM_001281493.2, NM_001281494.2, NM_001406811.1 and 6 more transcripts); c.4142C>T, p.Ala1381Val (NM_001406795.1); c.4046C>T, p.Ala1349Val (NM_001406796.1, NM_001406809.1); c.3749C>T, p.Ala1250Val (NM_001406797.1, NM_001406805.1, NM_001406818.1 and 8 more transcripts); c.3872C>T, p.Ala1291Val (NM_001406798.1); c.3521C>T, p.Ala1174Val (NM_001406799.1, NM_001406806.1, NM_001406807.1); c.*67C>T (NM_001406800.1); and 9 more; short protein forms A1061V, A1219V, A276V, A664V, A1291V, A1349V, A298V, A1047V.
Identifiers: ClinVar variation 4111210 (VCV004111210.1).

ClinVar aggregate classification (germline): Uncertain significance (1 of 4 stars; one submission).

Conditions:
Hereditary cancer-predisposing syndrome. Also called: Tumor predisposition; Neoplastic Syndromes, Hereditary; Hereditary neoplastic syndrome; Hereditary Cancer Syndrome. Identifiers: Orphanet 140162, MedGen C0027672, MeSH D009386, MONDO:0015356.

Submission:

Ambry Genetics
Classification: Uncertain significance for Hereditary cancer-predisposing syndrome. Last evaluated: 2025-07-19. Review status: criteria provided, single submitter. Criteria: Ambry Variant Classification Scheme 2023. Collection method: clinical testing. Allele origin: germline.
Comment: The p.A1349V variant (also known as c.4046C>T), located in coding exon 10 of the MSH6 gene, results from a C to T substitution at nucleotide position 4046. The alanine at codon 1349 is replaced by valine, an amino acid with similar properties. This amino acid position is conserved. In addition, the in silico prediction for this alteration is inconclusive. Based on the available evidence, the clinical significance of this variant remains unclear.